The following is an entry in ClinVar:

ClinVar aggregate classification (germline): Uncertain significance (1 of 4 stars; one submission).

Conditions:
DiGeorge syndrome. Also called: THIRD AND FOURTH PHARYNGEAL POUCH SYNDROME; Catch22. Identifiers: Orphanet 567, MedGen C0012236, MONDO:0008564, OMIM 188400.

Submission:

Labcorp Genetics (formerly Invitae), Labcorp
Classification: Uncertain significance for DiGeorge syndrome. Last evaluated: 2022-03-20. Review status: criteria provided, single submitter. Criteria: Invitae Variant Classification Sherloc (09022015). Collection method: clinical testing. Allele origin: germline.
Comment: This sequence change replaces proline, which is neutral and non-polar, with leucine, which is neutral and non-polar, at codon 67 of the TBX1 protein (p.Pro67Leu). The frequency data for this variant in the population databases is considered unreliable, as metrics indicate insufficient coverage at this position in the gnomAD database. This variant has not been reported in the literature in individuals affected with TBX1-related conditions. Algorithms developed to predict the effect of missense changes on protein structure and function are either unavailable or do not agree on the potential impact of this missense change (SIFT: "Deleterious"; PolyPhen-2: "Not Available"; Align-GVGD: "Class C0"). In summary, the available evidence is currently insufficient to determine the role of this variant in disease. Therefore, it has been classified as a Variant of Uncertain Significance.

NM_001379200.1(TBX1):c.227C>T (p.Pro76Leu)

Gene: TBX1 (T-box transcription factor 1; plus strand). Cytogenetic location: 22q11.21.
Variant type: single nucleotide variant.
Coding change: c.227C>T on transcript NM_001379200.1 (MANE Select); coding-DNA position 227, C replaced by T.
Protein change: p.Pro76Leu; replaces proline 76 with leucine.
Molecular consequence: missense variant.
Genome position (GRCh38, 1-based): chr22:19,761,070, C>T. VCF-style: chr22-19761070-C-T. GRCh37 (hg19) VCF-style: chr22-19748593-C-T.
Other names: c.200C>T, p.Pro67Leu (NM_005992.1, NM_080646.2, NM_080647.1); short protein forms P67L, P76L.
Identifiers: ClinVar variation 2083593 (VCV002083593.4), dbSNP rs2517842214, ClinGen allele CA410681415.